The following is an entry in ClinVar:

NM_001848.3(COL6A1):c.1575+2_1575+3insCTT

Gene: COL6A1 (collagen type VI alpha 1 chain; plus strand). Cytogenetic location: 21q22.3.
Variant type: Insertion.
Coding change: c.1575+2_1575+3insCTT on transcript NM_001848.3 (MANE Select); the canonical splice donor site of the intron after coding-DNA position 1575 through 3 bases into the intron after coding-DNA position 1575, CTT inserted.
Molecular consequence: splice donor variant.
Genome position: GRCh38 VCF-style: chr21-45998172-G-GTCT. GRCh37 (hg19) VCF-style: chr21-47418086-G-GTCT.
Identifiers: ClinVar variation 1401659 (VCV001401659.7), dbSNP rs758434455, ClinGen allele CA10070401.
Genomic context (GRCh38, chr21:45,998,172, plus strand): 5'-CTCCCCCAGGGAGAAGACGGCCCCGCTGGAAATGGCACCGAGGGCTTCCCCGGCTTCCCC[G>GTCT]TAAGTGTCCGGAGGCTGAGCCCACAGGAACATGCCCAAGCTGCCTGCGGCGCCCTCTTTA-3'

ClinVar aggregate classification (germline): Uncertain significance. Review status: criteria provided, multiple submitters, no conflicts (2 of 4 stars). 2 submissions from 2 submitters: Uncertain significance (2). Last evaluated 2025-02-25.

Conditions:
Bethlem myopathy 1A. Also called: Bethlem myopathy 1; Bethlem Muscular Dystrophy; MYOPATHY, BENIGN CONGENITAL, WITH CONTRACTURES. Identifiers: Orphanet 610, MedGen CN029274, MONDO:0024530, OMIM 158810.

Submissions (2):

Labcorp Genetics (formerly Invitae), Labcorp
Classification: Uncertain significance for Bethlem myopathy 1A. Last evaluated: 2025-02-25. Review status: criteria provided, single submitter. Criteria: Invitae Variant Classification Sherloc (09022015). Collection method: clinical testing. Allele origin: germline.
Comment: This sequence change falls in intron 23 of the COL6A1 gene. It does not directly change the encoded amino acid sequence of the COL6A1 protein. It affects a nucleotide within the consensus splice site. This variant is present in population databases (rs758434455, gnomAD 0.007%). This variant has been observed in individual(s) with clinical features of COL6A1-related conditions (internal data). ClinVar contains an entry for this variant (Variation ID: 1401659). Variants that disrupt the consensus splice site are a relatively common cause of aberrant splicing (PMID: 17576681, 9536098). Algorithms developed to predict the effect of sequence changes on RNA splicing suggest that this variant may disrupt the consensus splice site. In summary, the available evidence is currently insufficient to determine the role of this variant in disease. Therefore, it has been classified as a Variant of Uncertain Significance.

Revvity Omics, Revvity
Classification: Uncertain significance. Last evaluated: 2023-11-07. Review status: criteria provided, single submitter. Criteria: ACMG Guidelines, 2015. Collection method: clinical testing. Allele origin: germline.

Literature cited by the submitters: PubMed 17576681 (cited by Labcorp Genetics (formerly Invitae), Labcorp); PubMed 9536098 (cited by Labcorp Genetics (formerly Invitae), Labcorp).